The following is an entry in ClinVar:

NM_002471.4(MYH6):c.2705A>C (p.Asp902Ala)

Gene: MYH6 (myosin heavy chain 6; minus strand). Cytogenetic location: 14q11.2.
Variant type: single nucleotide variant.
Coding change: c.2705A>C on transcript NM_002471.4 (MANE Select); coding-DNA position 2705, A replaced by C.
Protein change: p.Asp902Ala; replaces aspartic acid 902 with alanine.
Molecular consequence: missense variant.
Genome position (GRCh38, 1-based): chr14:23,393,889, T>G on the plus strand (A>C on the coding strand, the complement: MYH6 is on the minus strand). VCF-style: chr14-23393889-T-G. GRCh37 (hg19) VCF-style: chr14-23863098-T-G.
Other names: short protein forms D902A.
Identifiers: ClinVar variation 3371546 (VCV003371546.1).

ClinVar aggregate classification (germline): Uncertain significance (1 of 4 stars; one submission).

gnomAD v4.1: 2 of 1,614,188 alleles (0.00012%); highest among the groups gnomAD compares: Non-Finnish European, 0.00017%; no homozygotes.

Submission:

GeneDx
Classification: Uncertain significance. Last evaluated: 2024-03-27. Review status: criteria provided, single submitter. Criteria: GeneDx Variant Classification Process June 2021. Collection method: clinical testing. Allele origin: germline. Affected: yes.
Comment: Has not been previously published as pathogenic or benign to our knowledge; Not observed at significant frequency in large population cohorts (gnomAD); In silico analysis supports that this missense variant has a deleterious effect on protein structure/function